The following is an entry in ClinVar:

NM_000257.4(MYH7):c.4874T>G (p.Met1625Arg)

Genes: MHRT (myosin heavy chain associated RNA transcript; plus strand), MYH7 (myosin heavy chain 7; minus strand), LOC126861897 (BRD4-independent group 4 enhancer GRCh37_chr14:23884455-23885654; plus strand). Cytogenetic location: 14q11.2.
Variant type: single nucleotide variant.
Coding change: c.4874T>G on transcript NM_000257.4 (MANE Select); coding-DNA position 4874, T replaced by G.
Protein change: p.Met1625Arg; replaces methionine 1625 with arginine.
Molecular consequence: missense variant. On other transcripts: non-coding transcript variant (1).
Genome position (GRCh38, 1-based): chr14:23,416,083, A>C on the plus strand (T>G on the coding strand, the complement: MYH7 is on the minus strand). VCF-style: chr14-23416083-A-C. GRCh37 (hg19) VCF-style: chr14-23885292-A-C.
Other names: c.4874T>G, p.Met1625Arg (NM_001407004.1); short protein forms M1625R.
Identifiers: ClinVar variation 3010659 (VCV003010659.3), dbSNP rs2502244720, ClinGen allele CA389037453.
Genomic context (GRCh38, chr14:23,416,083, plus strand): 5'-CTCTTGACTTGCTTCTGGGCCTCGGCGGCCATGCGGTTGGCGTGGCTGAGCTGGATCTCC[A>C]TCTCATTGAGGTCTCCTTCCATCTTCTTCTTCACCCTCAGGGCCTCGTTGCGGCTGCGTG-3'
Protein context (NP_000248.2, residues 1615-1635): KKKMEGDLNE[Met1625Arg]EIQLSHANRM

ClinVar aggregate classification (germline): Uncertain significance (1 of 4 stars; one submission).

Conditions:
Hypertrophic cardiomyopathy. Also called: HYPERTROPHIC MYOCARDIOPATHY. Identifiers: Orphanet 217569, MedGen C0007194, MeSH D002312, MONDO:0005045, HP:0001639.

Submission:

Labcorp Genetics (formerly Invitae), Labcorp
Classification: Uncertain significance for Hypertrophic cardiomyopathy. Last evaluated: 2023-11-14. Review status: criteria provided, single submitter. Criteria: Invitae Variant Classification Sherloc (09022015). Collection method: clinical testing. Allele origin: germline.
Comment: This sequence change replaces methionine, which is neutral and non-polar, with arginine, which is basic and polar, at codon 1625 of the MYH7 protein (p.Met1625Arg). This variant is not present in population databases (gnomAD no frequency). This variant has not been reported in the literature in individuals affected with MYH7-related conditions. Advanced modeling of protein sequence and biophysical properties (such as structural, functional, and spatial information, amino acid conservation, physicochemical variation, residue mobility, and thermodynamic stability) performed at Invitae indicates that this missense variant is expected to disrupt MYH7 protein function with a positive predictive value of 95%. In summary, the available evidence is currently insufficient to determine the role of this variant in disease. Therefore, it has been classified as a Variant of Uncertain Significance.